The following is an entry in ClinVar:

NM_015330.6(SPECC1L):c.899C>G (p.Pro300Arg)

Genes: SPECC1L (sperm antigen with calponin homology and coiled-coil domains 1 like; plus strand), SPECC1L-ADORA2A (SPECC1L-ADORA2A readthrough (NMD candidate); plus strand). Cytogenetic location: 22q11.23.
Variant type: single nucleotide variant.
Coding change: c.899C>G on transcript NM_015330.6 (MANE Select); coding-DNA position 899, C replaced by G.
Protein change: p.Pro300Arg; replaces proline 300 with arginine.
Molecular consequence: missense variant. On other transcripts: non-coding transcript variant (1).
Genome position (GRCh38, 1-based): chr22:24,321,879, C>G. VCF-style: chr22-24321879-C-G. GRCh37 (hg19) VCF-style: chr22-24717847-C-G.
Other names: c.899C>G, p.Pro300Arg (NM_001145468.4, NM_001254732.3); short protein forms P300R.
Identifiers: ClinVar variation 3659152 (VCV003659152.2).

ClinVar aggregate classification (germline): Uncertain significance (1 of 4 stars; one submission).

Submission:

Labcorp Genetics (formerly Invitae), Labcorp
Classification: Uncertain significance. Last evaluated: 2024-07-11. Review status: criteria provided, single submitter. Criteria: Invitae Variant Classification Sherloc (09022015). Collection method: clinical testing. Allele origin: germline.
Comment: This sequence change replaces proline, which is neutral and non-polar, with arginine, which is basic and polar, at codon 300 of the SPECC1L protein (p.Pro300Arg). This variant is not present in population databases (gnomAD no frequency). This variant has not been reported in the literature in individuals affected with SPECC1L-related conditions. An algorithm developed to predict the effect of missense changes on protein structure and function (PolyPhen-2) suggests that this variant is likely to be tolerated. In summary, the available evidence is currently insufficient to determine the role of this variant in disease. Therefore, it has been classified as a Variant of Uncertain Significance.